The following is an entry in ClinVar:

ClinVar aggregate classification (germline): Uncertain significance (1 of 4 stars; one submission).

gnomAD v4.1: 7 of 1,614,144 alleles (0.00043%); highest among the groups gnomAD compares: Non-Finnish European, 0.00059%; no homozygotes.

Submission:

Labcorp Genetics (formerly Invitae), Labcorp
Classification: Uncertain significance. Last evaluated: 2025-11-10. Review status: criteria provided, single submitter. Criteria: Invitae Variant Classification Sherloc (09022015). Collection method: clinical testing. Allele origin: germline.
Comment: This sequence change replaces proline, which is neutral and non-polar, with leucine, which is neutral and non-polar, at codon 392 of the GDF5 protein (p.Pro392Leu). This variant is present in population databases (rs762361290, gnomAD 0.0009%). This variant has not been reported in the literature in individuals affected with GDF5-related conditions. Invitae Evidence Modeling of protein sequence and biophysical properties (such as structural, functional, and spatial information, amino acid conservation, physicochemical variation, residue mobility, and thermodynamic stability) indicates that this missense variant is not expected to disrupt GDF5 protein function with a negative predictive value of 80%. In summary, the available evidence is currently insufficient to determine the role of this variant in disease. Therefore, it has been classified as a Variant of Uncertain Significance.

NM_000557.5(GDF5):c.1175C>T (p.Pro392Leu)

Genes: GDF5 (growth differentiation factor 5; minus strand), GDF5-AS1 (GDF5 antisense RNA 1; plus strand). Cytogenetic location: 20q11.22.
Variant type: single nucleotide variant.
Coding change: c.1175C>T on transcript NM_000557.5 (MANE Select); coding-DNA position 1175, C replaced by T.
Protein change: p.Pro392Leu; replaces proline 392 with leucine.
Molecular consequence: missense variant. On other transcripts: non-coding transcript variant (1).
Genome position (GRCh38, 1-based): chr20:35,434,240, G>A on the plus strand (C>T on the coding strand, the complement: GDF5 is on the minus strand). VCF-style: chr20-35434240-G-A. GRCh37 (hg19) VCF-style: chr20-34022038-G-A.
Other names: c.1175C>T, p.Pro392Leu (NM_001319138.2); short protein forms P392L.
Identifiers: ClinVar variation 4742221 (VCV004742221.1).
Genomic context (GRCh38, chr20:35,434,240, plus strand): 5'-ATGTCCTTGAAGTTGACATGCAGTGCCTTCCGACTGCAGCGAGCCTTAAGGTTCTTGCTG[G>A]GTCGCTTGCCCTGGCGAGTGGCCAGTGGGGCCCGCCGTTTTCGCCGCTGGCTGAACAGGT-3'
Protein context (NP_000548.2, residues 382-402): APLATRQGKR[Pro392Leu]SKNLKARCSR